The following is an entry in ClinVar:

ClinVar aggregate classification (germline): Uncertain significance (1 of 4 stars; one submission).

Conditions:
Hemochromatosis type 4 (HFE4). Also called: HEMOCHROMATOSIS DUE TO DEFECT IN FERROPORTIN; HEMOCHROMATOSIS, AUTOSOMAL DOMINANT; Ferroportin disease. Identifiers: Orphanet 139491, Orphanet 647834, Orphanet 648562, MedGen C1853733, MONDO:0011631, OMIM 606069.

Submission:

Labcorp Genetics (formerly Invitae), Labcorp
Classification: Uncertain significance for Hemochromatosis type 4. Last evaluated: 2024-06-26. Review status: criteria provided, single submitter. Criteria: Invitae Variant Classification Sherloc (09022015). Collection method: clinical testing. Allele origin: germline.
Comment: This sequence change replaces glutamic acid, which is acidic and polar, with lysine, which is basic and polar, at codon 444 of the SLC40A1 protein (p.Glu444Lys). This variant is not present in population databases (gnomAD no frequency). This variant has not been reported in the literature in individuals affected with SLC40A1-related conditions. Advanced modeling of protein sequence and biophysical properties (such as structural, functional, and spatial information, amino acid conservation, physicochemical variation, residue mobility, and thermodynamic stability) performed at Invitae indicates that this missense variant is not expected to disrupt SLC40A1 protein function with a negative predictive value of 80%. In summary, the available evidence is currently insufficient to determine the role of this variant in disease. Therefore, it has been classified as a Variant of Uncertain Significance.

NM_014585.6(SLC40A1):c.1330G>A (p.Glu444Lys)

Gene: SLC40A1 (solute carrier family 40 member 1; minus strand). Cytogenetic location: 2q32.2.
Variant type: single nucleotide variant.
Coding change: c.1330G>A on transcript NM_014585.6 (MANE Select); coding-DNA position 1330, G replaced by A.
Protein change: p.Glu444Lys; replaces glutamic acid 444 with lysine.
Molecular consequence: missense variant.
Genome position (GRCh38, 1-based): chr2:189,563,656, C>T on the plus strand (G>A on the coding strand, the complement: SLC40A1 is on the minus strand). VCF-style: chr2-189563656-C-T. GRCh37 (hg19) VCF-style: chr2-190428382-C-T.
Other names: short protein forms E444K.
Identifiers: ClinVar variation 3658023 (VCV003658023.2).